The following is an entry in ClinVar:

NM_002470.4(MYH3):c.1504T>G (p.Tyr502Asp)

Gene: MYH3 (myosin heavy chain 3; minus strand). Cytogenetic location: 17p13.1.
Variant type: single nucleotide variant.
Coding change: c.1504T>G on transcript NM_002470.4 (MANE Select); coding-DNA position 1504, T replaced by G.
Protein change: p.Tyr502Asp; replaces tyrosine 502 with aspartic acid.
Molecular consequence: missense variant.
Genome position (GRCh38, 1-based): chr17:10,642,903, A>C on the plus strand (T>G on the coding strand, the complement: MYH3 is on the minus strand). VCF-style: chr17-10642903-A-C. GRCh37 (hg19) VCF-style: chr17-10546220-A-C.
Other names: short protein forms Y502D.
Identifiers: ClinVar variation 211550 (VCV000211550.8), dbSNP rs797045727, ClinGen allele CA207831.

ClinVar aggregate classification (germline): Likely pathogenic (0 of 4 stars; one submission).

Conditions:
Freeman-Sheldon syndrome (DA2A). Also called: CRANIOCARPOTARSAL DYSPLASIA; CRANIOCARPOTARSAL DYSTROPHY; Arthrogryposis, distal, type 2A (Freeman-Sheldon); WHISTLING FACE-WINDMILL VANE HAND SYNDROME. Identifiers: Orphanet 2053, MedGen C0265224, MONDO:0008675, OMIM 193700.

Submission:

Genetic Services Laboratory, University of Chicago
Classification: Likely pathogenic for Freeman-Sheldon syndrome. Last evaluated: 2015-10-30. Review status: no assertion criteria provided. Collection method: clinical testing. Allele origin: germline. Affected: yes.
Comment: DNA sequence analysis of the MYH3 gene demonstrated a sequence change, c.1504T>G, in exon 15 that results in an amino acid change, p.Tyr502Asp. The p.Tyr502Asp change affects a highly conserved amino acid residue located in a domain of the MYH3 protein that is known to be functional. The p.Tyr502Asp substitution appears to be deleterious/possibly damaging using several in-silico pathogenicity prediction tools (SIFT PolyPhen2, Align GVGD, MutationTaster). This particular amino acid change does not appear to have been described in the literature in other patients with MYH3-related disorders or as a benign sequence change in the MYH3 gene. The p.Tyr502Asp amino acid change occurs in a region of the MYH3 gene where other missense sequence changes have been described in patients with MYH3-related distal. arthrogryposis. To date, the vast majority of pathogenic variants described in the MYH3 gene have been missense.